The following is an entry in ClinVar:

ClinVar aggregate classification (germline): Uncertain significance (1 of 4 stars; one submission).

Submission:

Ambry Genetics
Classification: Uncertain significance. Last evaluated: 2023-07-03. Review status: criteria provided, single submitter. Criteria: Ambry Variant Classification Scheme 2023. Collection method: clinical testing. Allele origin: germline.
Comment: The p.K556N variant (also known as c.1668A>C) is located in coding exon 13 of the RECQL gene. The lysine at codon 556 is replaced by asparagine, an amino acid with similar properties. This change occurs in the first base pair of coding exon 13. This amino acid position is conserved. In addition, this alteration is predicted to be tolerated by in silico analysis. Since supporting evidence is limited at this time, the clinical significance of this alteration remains unclear.

NM_002907.4(RECQL):c.1668A>C (p.Lys556Asn)

Genes: PYROXD1 (pyridine nucleotide-disulphide oxidoreductase domain 1; plus strand), RECQL (RecQ like helicase; minus strand). Cytogenetic location: 12p12.1.
Variant type: single nucleotide variant.
Coding change: c.1668A>C on transcript NM_002907.4 (MANE Select); coding-DNA position 1668, A replaced by C.
Protein change: p.Lys556Asn; replaces lysine 556 with asparagine.
Molecular consequence: missense variant. On other transcripts: 3 prime UTR variant (3).
Genome position (GRCh38, 1-based): chr12:21,471,098, T>G on the plus strand (A>C on the coding strand, the complement: RECQL is on the minus strand). VCF-style: chr12-21471098-T-G. GRCh37 (hg19) VCF-style: chr12-21624032-T-G.
Other names: c.1668A>C, p.Lys556Asn (NM_032941.3); c.*2344T>G (NM_001350912.2, NM_001350913.2, NM_024854.5); short protein forms K556N.
Identifiers: ClinVar variation 2586001 (VCV002586001.2), dbSNP rs2540315381, ClinGen allele CA384114818.